The following is an entry in ClinVar:

NM_016169.4(SUFU):c.1099G>C (p.Glu367Gln)

Gene: SUFU (SUFU negative regulator of hedgehog signaling; plus strand). Cytogenetic location: 10q24.32.
Variant type: single nucleotide variant.
Coding change: c.1099G>C on transcript NM_016169.4 (MANE Select); coding-DNA position 1099, G replaced by C.
Protein change: p.Glu367Gln; replaces glutamic acid 367 with glutamine.
Molecular consequence: missense variant.
Genome position (GRCh38, 1-based): chr10:102,615,344, G>C. VCF-style: chr10-102615344-G-C. GRCh37 (hg19) VCF-style: chr10-104375101-G-C.
Other names: c.1099G>C, p.Glu367Gln (NM_001178133.2); short protein forms E367Q.
Identifiers: ClinVar variation 3802902 (VCV003802902.1).

ClinVar aggregate classification (germline): Uncertain significance (1 of 4 stars; one submission).

Conditions:
Hereditary cancer-predisposing syndrome. Also called: Neoplastic Syndromes, Hereditary; Hereditary Cancer Syndrome; Tumor predisposition; Hereditary neoplastic syndrome. Identifiers: Orphanet 140162, MedGen C0027672, MeSH D009386, MONDO:0015356.

Submission:

Ambry Genetics
Classification: Uncertain significance for Hereditary cancer-predisposing syndrome. Last evaluated: 2025-02-06. Review status: criteria provided, single submitter. Criteria: Ambry Variant Classification Scheme 2023. Collection method: clinical testing. Allele origin: germline.
Comment: The p.E367Q variant (also known as c.1099G>C), located in coding exon 9 of the SUFU gene, results from a G to C substitution at nucleotide position 1099. The glutamic acid at codon 367 is replaced by glutamine, an amino acid with highly similar properties. This amino acid position is conserved. In addition, the in silico prediction for this alteration is inconclusive. Based on the available evidence, the clinical significance of this variant remains unclear.